The following is an entry in ClinVar:

NM_000368.5(TSC1):c.1517C>A (p.Pro506His)

Gene: TSC1 (TSC complex subunit 1; minus strand). Cytogenetic location: 9q34.13.
Variant type: single nucleotide variant.
Coding change: c.1517C>A on transcript NM_000368.5 (MANE Select); coding-DNA position 1517, C replaced by A.
Protein change: p.Pro506His; replaces proline 506 with histidine.
Molecular consequence: missense variant.
Genome position (GRCh38, 1-based): chr9:132,906,061, G>T on the plus strand (C>A on the coding strand, the complement: TSC1 is on the minus strand). VCF-style: chr9-132906061-G-T. GRCh37 (hg19) VCF-style: chr9-135781448-G-T.
Other names: c.1514C>A, p.Pro505His (NM_001162426.2); c.1364C>A, p.Pro455His (NM_001162427.2); c.1154C>A, p.Pro385His (NM_001362177.2); short protein forms P455H, P505H, P506H, P385H.
Identifiers: ClinVar variation 1484419 (VCV001484419.8), dbSNP rs2131845442, ClinGen allele CA375365285.
Genomic context (GRCh38, chr9:132,906,061, plus strand): 5'-GAACTGGAGGCTGCCGAGTGGGTCTTCCGCTGAGAACCTGGGAGACTGTCTCGGTAAAAG[G>T]GAGAGTCAAAGCCTCCTCGAGGAACCACAGGCTCTGCCTCTGCTGTGGTGATCTCAGAAA-3'
Protein context (NP_000359.1, residues 496-516): PVVPRGGFDS[Pro506His]FYRDSLPGSQ

ClinVar aggregate classification (germline): Uncertain significance (1 of 4 stars; one submission).

Conditions:
Tuberous sclerosis 1 (TSC1). Identifiers: Orphanet 805, MedGen C1854465, MONDO:0008612, OMIM 191100.

Submission:

Labcorp Genetics (formerly Invitae), Labcorp
Classification: Uncertain significance for Tuberous sclerosis 1. Last evaluated: 2021-06-30. Review status: criteria provided, single submitter. Criteria: Invitae Variant Classification Sherloc (09022015). Collection method: clinical testing. Allele origin: germline.
Comment: In summary, the available evidence is currently insufficient to determine the role of this variant in disease. Therefore, it has been classified as a Variant of Uncertain Significance. Algorithms developed to predict the effect of missense changes on protein structure and function are either unavailable or do not agree on the potential impact of this missense change (SIFT: "Deleterious"; PolyPhen-2: "Probably Damaging"; Align-GVGD: "Class C0"). This variant has not been reported in the literature in individuals with TSC1-related conditions. This variant is not present in population databases (ExAC no frequency). This sequence change replaces proline with histidine at codon 506 of the TSC1 protein (p.Pro506His). The proline residue is moderately conserved and there is a moderate physicochemical difference between proline and histidine.